The following is an entry in ClinVar:

ClinVar aggregate classification (germline): Uncertain significance (1 of 4 stars; one submission).

Allele frequency attached by ClinVar (database versions not stated): ExAC 0.00003; gnomAD exomes 0.00003; gnomAD 0.00006; TOPMed 0.00010; ESP Exome Variant Server 0.00017.
gnomAD v4.1: 59 of 1,613,932 alleles (0.0037%); highest among the groups gnomAD compares: Middle Eastern, 0.066%; 1 homozygote.

Submission:

Labcorp Genetics (formerly Invitae), Labcorp
Classification: Uncertain significance. Last evaluated: 2024-01-02. Review status: criteria provided, single submitter. Criteria: Invitae Variant Classification Sherloc (09022015). Collection method: clinical testing. Allele origin: germline.
Comment: This sequence change replaces arginine, which is basic and polar, with glutamine, which is neutral and polar, at codon 1729 of the PLCE1 protein (p.Arg1729Gln). This variant is present in population databases (rs368531853, gnomAD 0.007%). This missense change has been observed in individual(s) with focal segmental glomerulosclerosis (PMID: 33654185). ClinVar contains an entry for this variant (Variation ID: 2144783). Advanced modeling of protein sequence and biophysical properties (such as structural, functional, and spatial information, amino acid conservation, physicochemical variation, residue mobility, and thermodynamic stability) performed at Invitae indicates that this missense variant is not expected to disrupt PLCE1 protein function with a negative predictive value of 80%. In summary, the available evidence is currently insufficient to determine the role of this variant in disease. Therefore, it has been classified as a Variant of Uncertain Significance.

Literature cited by the submitters: PubMed 33654185.

NM_016341.4(PLCE1):c.5186G>A (p.Arg1729Gln)

Gene: PLCE1 (phospholipase C epsilon 1; plus strand). Cytogenetic location: 10q23.33.
Variant type: single nucleotide variant.
Coding change: c.5186G>A on transcript NM_016341.4 (MANE Select); coding-DNA position 5186, G replaced by A.
Protein change: p.Arg1729Gln; replaces arginine 1729 with glutamine.
Molecular consequence: missense variant.
Genome position (GRCh38, 1-based): chr10:94,298,397, G>A. VCF-style: chr10-94298397-G-A. GRCh37 (hg19) VCF-style: chr10-96058154-G-A.
Other names: c.4262G>A, p.Arg1421Gln (NM_001165979.2); c.5138G>A, p.Arg1713Gln (NM_001288989.2); short protein forms R1421Q, R1729Q, R1713Q.
Identifiers: ClinVar variation 2144783 (VCV002144783.2), dbSNP rs368531853, ClinGen allele CA5613314.